The following is an entry in ClinVar:

NM_005026.5(PIK3CD):c.1076C>A (p.Ser359Tyr)

Genes: PIK3CD (phosphatidylinositol-4,5-bisphosphate 3-kinase catalytic subunit delta; plus strand), LOC126805612 (MED14-independent group 3 enhancer GRCh37_chr1:9778914-9780113; plus strand). Cytogenetic location: 1p36.22.
Variant type: single nucleotide variant.
Coding change: c.1076C>A on transcript NM_005026.5 (MANE Select); coding-DNA position 1076, C replaced by A.
Protein change: p.Ser359Tyr; replaces serine 359 with tyrosine.
Molecular consequence: missense variant.
Genome position (GRCh38, 1-based): chr1:9,718,749, C>A. VCF-style: chr1-9718749-C-A. GRCh37 (hg19) VCF-style: chr1-9778807-C-A.
Other names: c.1076C>A, p.Ser359Tyr (NM_001350234.2); c.989C>A, p.Ser330Tyr (NM_001350235.1); short protein forms S330Y, S359Y.
Identifiers: ClinVar variation 1711209 (VCV001711209.31), dbSNP rs2524938894, ClinGen allele CA338302048.

ClinVar aggregate classification (germline): Uncertain significance. Review status: criteria provided, multiple submitters, no conflicts (2 of 4 stars). 2 submissions from 2 submitters: Uncertain significance (2). Last evaluated 2025-08-04.

Conditions:
Inborn genetic diseases. Identifiers: MedGen C0950123, MeSH D030342.

gnomAD v4.1: 1 of 1,609,754 alleles (0.000062%); highest among the groups gnomAD compares: Non-Finnish European, 0.000085%; no homozygotes.

Submissions (2):

Ambry Genetics
Classification: Uncertain significance for Inborn genetic diseases. Last evaluated: 2025-08-04. Review status: criteria provided, single submitter. Criteria: Ambry Variant Classification Scheme 2023. Collection method: clinical testing. Allele origin: germline.

CeGaT Center for Human Genetics Tuebingen
Classification: Uncertain significance. Last evaluated: 2022-08-01. Review status: criteria provided, single submitter. Criteria: CeGaT Center For Human Genetics Tuebingen Variant Classification Criteria Version 2. Collection method: clinical testing. Allele origin: germline. Affected: yes. Observed: 1 variant allele.
Comment: PIK3CD: PM2, PP2, BP4